The following is an entry in ClinVar:

NM_001365999.1(SZT2):c.10156-3_10156-2del

Gene: SZT2 (SZT2 subunit of KICSTOR complex; plus strand). Cytogenetic location: 1p34.2.
Variant type: Microsatellite.
Coding change: c.10156-3_10156-2del on transcript NM_001365999.1 (MANE Select); 3 bases into the intron before coding-DNA position 10156 through the canonical splice acceptor site of the intron before coding-DNA position 10156, 2 bases deleted (CA; older notation c.10156-3_10156-2delCA).
Molecular consequence: splice acceptor variant.
Genome position (GRCh38, 1-based): chr1:43,450,334-43,450,335, CA deleted; deleting any 2 consecutive bases within chr1:43,450,332-43,450,335 gives the same sequence; the c. name uses the placement nearest the transcript's 3' end. VCF-style (leftmost placement, unchanged base first): chr1-43450331-CCA-C. GRCh37 (hg19) VCF-style: chr1-43916002-CCA-C.
Other names: c.9985-3_9985-2del (NM_015284.4).
Identifiers: ClinVar variation 1005737 (VCV001005737.8), dbSNP rs761016357, ClinGen allele CA811123.

ClinVar aggregate classification (germline): Conflicting classifications of pathogenicity. Review status: criteria provided, conflicting classifications (1 of 4 stars). 2 submissions from 2 submitters: Uncertain significance (1); Likely benign (1). Last evaluated 2025-10-12.

Submissions (2):

Labcorp Genetics (formerly Invitae), Labcorp
Classification: Uncertain significance. Last evaluated: 2025-10-12. Review status: criteria provided, single submitter. Criteria: Invitae Variant Classification Sherloc (09022015). Collection method: clinical testing. Allele origin: germline.
Comment: This sequence change falls in intron 70 of the SZT2 gene. It does not directly change the encoded amino acid sequence of the SZT2 protein. This variant is present in population databases (rs761016357, gnomAD 0.006%). This variant has not been reported in the literature in individuals affected with SZT2-related conditions. Algorithms developed to predict the effect of sequence changes on RNA splicing suggest that this variant may disrupt the consensus splice site. In summary, the available evidence is currently insufficient to determine the role of this variant in disease. Therefore, it has been classified as a Variant of Uncertain Significance.

GeneDx
Classification: Likely benign. Last evaluated: 2021-01-05. Review status: criteria provided, single submitter. Criteria: GeneDx Variant Classification Process June 2021. Collection method: clinical testing. Allele origin: germline. Affected: yes.
Comment: Not observed at a significant frequency in large population cohorts (Lek et al., 2016); Has not been previously published as pathogenic or benign to our knowledge